The following is an entry in ClinVar:

ClinVar aggregate classification (germline): Uncertain significance (1 of 4 stars; one submission).

Submission:

Ambry Genetics
Classification: Uncertain significance. Last evaluated: 2022-02-26. Review status: criteria provided, single submitter. Criteria: Ambry Variant Classification Scheme 2023. Collection method: clinical testing. Allele origin: germline.
Comment: The p.E232V variant (also known as c.695A>T), located in coding exon 1 of the MLH3 gene, results from an A to T substitution at nucleotide position 695. The glutamic acid at codon 232 is replaced by valine, an amino acid with dissimilar properties. This amino acid position is conserved. In addition, the in silico prediction for this alteration is inconclusive. Since supporting evidence is limited at this time, the clinical significance of this alteration remains unclear.

NM_001040108.2(MLH3):c.695A>T (p.Glu232Val)

Gene: MLH3 (mutL homolog 3; minus strand). Cytogenetic location: 14q24.3.
Variant type: single nucleotide variant.
Coding change: c.695A>T on transcript NM_001040108.2 (MANE Select); coding-DNA position 695, A replaced by T.
Protein change: p.Glu232Val; replaces glutamic acid 232 with valine.
Molecular consequence: missense variant.
Genome position (GRCh38, 1-based): chr14:75,048,961, T>A on the plus strand (A>T on the coding strand, the complement: MLH3 is on the minus strand). VCF-style: chr14-75048961-T-A. GRCh37 (hg19) VCF-style: chr14-75515664-T-A.
Other names: c.695A>T, p.Glu232Val (NM_014381.3); short protein forms E232V.
Identifiers: ClinVar variation 1756311 (VCV001756311.2), dbSNP rs2503319813, ClinGen allele CA390449587.